The following is an entry in ClinVar:

NM_001288705.3(CSF1R):c.2491_2492del (p.Val831fs)

Gene: CSF1R (colony stimulating factor 1 receptor; minus strand). Cytogenetic location: 5q32.
Variant type: Microsatellite.
Coding change: c.2491_2492del on transcript NM_001288705.3 (MANE Select); coding-DNA positions 2491 to 2492, 2 bases deleted (GT; older notation c.2491_2492delGT).
Protein change: p.Val831fs; shifts the reading frame from valine 831.
Molecular consequence: frameshift variant. On other transcripts: non-coding transcript variant (2).
Genome position (GRCh38, 1-based): chr5:150,056,088-150,056,089, AC deleted on the plus strand (GT on the coding strand, the reverse complement: CSF1R is on the minus strand); deleting any 2 consecutive bases within chr5:150,056,088-150,056,092 gives the same sequence; the c. name uses the placement nearest the transcript's 3' end. VCF-style (leftmost placement, unchanged base first): chr5-150056087-GAC-G. GRCh37 (hg19) VCF-style: chr5-149435650-GAC-G.
Other names: c.2491_2492del, p.Val831fs (NM_001349736.2, NM_001375320.1, NM_005211.4); c.2047_2048del, p.Val683fs (NM_001375321.1); short protein forms V831fs, V683fs.
Identifiers: ClinVar variation 3686206 (VCV003686206.2).

ClinVar aggregate classification (germline): Pathogenic (1 of 4 stars; one submission).

Submission:

Labcorp Genetics (formerly Invitae), Labcorp
Classification: Pathogenic. Last evaluated: 2024-07-30. Review status: criteria provided, single submitter. Criteria: Invitae Variant Classification Sherloc (09022015). Collection method: clinical testing. Allele origin: germline.
Comment: This sequence change creates a premature translational stop signal (p.Val831Leufs*36) in the CSF1R gene. It is expected to result in an absent or disrupted protein product. Loss-of-function variants in CSF1R are known to be pathogenic (PMID: 22046273, 24120500, 24145216, 24336230, 30982608, 30982609). This variant is not present in population databases (gnomAD no frequency). This variant has not been reported in the literature in individuals affected with CSF1R-related conditions. For these reasons, this variant has been classified as Pathogenic.

Literature cited by the submitters: PubMed 22046273; PubMed 24120500; PubMed 24145216; PubMed 24336230; PubMed 30982608; PubMed 30982609.